The following is an entry in ClinVar:

NM_014846.4(WASHC5):c.1589T>C (p.Phe530Ser)

Gene: WASHC5 (WASH complex subunit 5; minus strand). Cytogenetic location: 8q24.13.
Variant type: single nucleotide variant.
Coding change: c.1589T>C on transcript NM_014846.4 (MANE Select); coding-DNA position 1589, T replaced by C.
Protein change: p.Phe530Ser; replaces phenylalanine 530 with serine.
Molecular consequence: missense variant.
Genome position (GRCh38, 1-based): chr8:125,059,475, A>G on the plus strand (T>C on the coding strand, the complement: WASHC5 is on the minus strand). VCF-style: chr8-125059475-A-G. GRCh37 (hg19) VCF-style: chr8-126071717-A-G.
Other names: c.1145T>C, p.Phe382Ser (NM_001330609.2); short protein forms F530S, F382S.
Identifiers: ClinVar variation 1415721 (VCV001415721.7), dbSNP rs184557946, ClinGen allele CA4873773.

ClinVar aggregate classification (germline): Uncertain significance. Review status: criteria provided, multiple submitters, no conflicts (2 of 4 stars). 2 submissions from 2 submitters: Uncertain significance (2). Last evaluated 2024-10-22.

Conditions:
Hereditary spastic paraplegia 8 (SPG8). Also called: SPASTIC PARAPLEGIA 8, AUTOSOMAL DOMINANT. Identifiers: Orphanet 100989, MedGen C1863704, MONDO:0011339, OMIM 603563.
Ritscher-Schinzel syndrome. Also called: CRANIOCEREBELLOCARDIAC DYSPLASIA. Identifiers: Orphanet 7, MedGen C0796137, MONDO:0019078.

Allele frequency attached by ClinVar (database versions not stated): 1000 Genomes Project 30x 0.00016; ExAC 0.00002; TOPMed 0.00005; 1000 Genomes Project 0.00020; gnomAD exomes 0.00001 and 0.00007; gnomAD 0.00002.
gnomAD v4.1: 26 of 1,614,030 alleles (0.0016%); highest among the groups gnomAD compares: Admixed American, 0.038%; no homozygotes.

Submissions (2):

Labcorp Genetics (formerly Invitae), Labcorp
Classification: Uncertain significance for Ritscher-Schinzel syndrome; Hereditary spastic paraplegia 8. Last evaluated: 2024-10-22. Review status: criteria provided, single submitter. Criteria: Invitae Variant Classification Sherloc (09022015). Collection method: clinical testing. Allele origin: germline.
Comment: This sequence change replaces phenylalanine, which is neutral and non-polar, with serine, which is neutral and polar, at codon 530 of the WASHC5 protein (p.Phe530Ser). This variant is present in population databases (rs184557946, gnomAD 0.04%). This variant has not been reported in the literature in individuals affected with WASHC5-related conditions. ClinVar contains an entry for this variant (Variation ID: 1415721). Invitae Evidence Modeling of protein sequence and biophysical properties (such as structural, functional, and spatial information, amino acid conservation, physicochemical variation, residue mobility, and thermodynamic stability) indicates that this missense variant is not expected to disrupt WASHC5 protein function with a negative predictive value of 80%. In summary, the available evidence is currently insufficient to determine the role of this variant in disease. Therefore, it has been classified as a Variant of Uncertain Significance.

Department of Pathology and Laboratory Medicine, Sinai Health System
Classification: Uncertain significance for Hereditary spastic paraplegia 8. Last evaluated: 2023-02-09. Review status: criteria provided, single submitter. Criteria: ACMG Guidelines, 2015. Collection method: research. Allele origin: germline.